The following is an entry in ClinVar:

NM_138387.4(G6PC3):c.677+1G>A

Gene: G6PC3 (glucose-6-phosphatase catalytic subunit 3; plus strand). Cytogenetic location: 17q21.31.
Variant type: single nucleotide variant.
Coding change: c.677+1G>A on transcript NM_138387.4 (MANE Select); the canonical splice donor site of the intron after coding-DNA position 677, G replaced by A.
Molecular consequence: splice donor variant.
Genome position (GRCh38, 1-based): chr17:44,075,452, G>A. VCF-style: chr17-44075452-G-A. GRCh37 (hg19) VCF-style: chr17-42152820-G-A.
Other names: c.332+1G>A (NM_001384168.1, NM_001384165.1, NM_001384166.1 and 1 more transcripts); c.558+1G>A (NM_001319945.2).
Identifiers: ClinVar variation 1066709 (VCV001066709.9), dbSNP rs778208850, ClinGen allele CA8596110.

ClinVar aggregate classification (germline): Pathogenic (1 of 4 stars; one submission).

Conditions:
Autosomal recessive severe congenital neutropenia due to G6PC3 deficiency. Also called: G6PC3 Deficiency; NEUTROPENIA, SEVERE CONGENITAL, 4, AUTOSOMAL RECESSIVE. Identifiers: Orphanet 331176, MedGen C2751630, MONDO:0012930, OMIM 612541.

Allele frequency attached by ClinVar (database versions not stated): ExAC 0.00001; gnomAD exomes below 0.00001.
gnomAD v4.1: 5 of 1,614,146 alleles (0.00031%); highest among the groups gnomAD compares: South Asian, 0.0011%; no homozygotes.

Submission:

Labcorp Genetics (formerly Invitae), Labcorp
Classification: Pathogenic for Autosomal recessive severe congenital neutropenia due to G6PC3 deficiency. Last evaluated: 2023-07-14. Review status: criteria provided, single submitter. Criteria: Invitae Variant Classification Sherloc (09022015). Collection method: clinical testing. Allele origin: germline.
Comment: For these reasons, this variant has been classified as Pathogenic. This variant disrupts a region of the G6PC3 protein in which other variant(s) (p.Gly260Arg) have been determined to be pathogenic (PMID: 19118303, 20616219, 23180359, 23441086). This suggests that this is a clinically significant region of the protein, and that variants that disrupt it are likely to be disease-causing. Variants that disrupt the consensus splice site are a relatively common cause of aberrant splicing (PMID: 17576681, 9536098). Algorithms developed to predict the effect of sequence changes on RNA splicing suggest that this variant may disrupt the consensus splice site. ClinVar contains an entry for this variant (Variation ID: 1066709). Disruption of this splice site has been observed in individual(s) with clinical features of severe congenital neutropenia (PMID: 19118303, 22050868). This variant is present in population databases (rs778208850, gnomAD 0.003%). This sequence change affects a donor splice site in intron 5 of the G6PC3 gene. While this variant is not anticipated to result in nonsense mediated decay, it likely alters RNA splicing and results in a disrupted protein product.

Literature cited by the submitters: PubMed 19118303; PubMed 20616219; PubMed 23180359; PubMed 23441086; PubMed 17576681; PubMed 9536098; PubMed 22050868.